The following is an entry in ClinVar:

NM_000038.6(APC):c.3606T>C (p.Ser1202=)

Gene: APC (APC regulator of Wnt signaling pathway; plus strand). Cytogenetic location: 5q22.2.
Variant type: single nucleotide variant.
Coding change: c.3606T>C on transcript NM_000038.6 (MANE Select); coding-DNA position 3606, T replaced by C.
Protein change: p.Ser1202=; no amino-acid change (serine 1202 retained).
Molecular consequence: synonymous variant.
Genome position (GRCh38, 1-based): chr5:112,839,200, T>C. VCF-style: chr5-112839200-T-C. GRCh37 (hg19) VCF-style: chr5-112174897-T-C.
Other names: c.3606T>C, p.Ser1202= (NM_001127510.3, NM_001354895.2); c.3552T>C, p.Ser1184= (NM_001127511.3); c.3660T>C, p.Ser1220= (NM_001354896.2); c.3636T>C, p.Ser1212= (NM_001354897.2); c.3531T>C, p.Ser1177= (NM_001354898.2); c.3522T>C, p.Ser1174= (NM_001354899.2); c.3483T>C, p.Ser1161= (NM_001354900.2); c.3429T>C, p.Ser1143= (NM_001354901.2); and 5 more.
Identifiers: ClinVar variation 219492 (VCV000219492.15), dbSNP rs864622117, ClinGen allele CA349783.

ClinVar aggregate classification (germline): Benign/Likely benign. Review status: criteria provided, multiple submitters, no conflicts (2 of 4 stars). 5 submissions from 5 submitters: Benign (1); Likely benign (4). Last evaluated 2026-01-05.

Conditions:
Hereditary cancer-predisposing syndrome. Also called: Hereditary neoplastic syndrome; Tumor predisposition; Hereditary Cancer Syndrome; Neoplastic Syndromes, Hereditary. Identifiers: Orphanet 140162, MedGen C0027672, MeSH D009386, MONDO:0015356.
Familial adenomatous polyposis 1 (FAP1). Also called: FAMILIAL ADENOMATOUS POLYPOSIS 1, ATTENUATED; POLYPOSIS, ADENOMATOUS INTESTINAL. Identifiers: MedGen C2713442, MONDO:0021056, OMIM 175100. Disease mechanism: loss of function.

Allele frequency attached by ClinVar (database versions not stated): gnomAD 0.00001; gnomAD exomes 0.00001; TOPMed 0.00001.
gnomAD v4.1: 15 of 1,614,080 alleles (0.00093%); highest among the groups gnomAD compares: Non-Finnish European, 0.0013%; no homozygotes.

Submissions (5):

Labcorp Genetics (formerly Invitae), Labcorp
Classification: Likely benign for Familial adenomatous polyposis 1. Last evaluated: 2026-01-05. Review status: criteria provided, single submitter. Criteria: Invitae Variant Classification Sherloc (09022015). Collection method: clinical testing. Allele origin: germline.

Myriad Genetics, Inc.
Classification: Benign for Familial adenomatous polyposis 1. Last evaluated: 2024-03-21. Review status: criteria provided, single submitter. Criteria: Myriad Autosomal Dominant, Autosomal Recessive and X-Linked Classification Criteria (2023). Collection method: clinical testing. Allele origin: unknown.
Comment: This variant is considered benign. This variant is a silent/synonymous amino acid change and it is not expected to impact splicing.

Color Diagnostics, LLC DBA Color Health
Classification: Likely benign for Hereditary cancer-predisposing syndrome. Last evaluated: 2021-05-14. Review status: criteria provided, single submitter. Criteria: ACMG Guidelines, 2015. Collection method: clinical testing. Allele origin: germline.

Ambry Genetics
Classification: Likely benign for Hereditary cancer-predisposing syndrome. Last evaluated: 2019-12-04. Review status: criteria provided, single submitter. Criteria: Ambry Variant Classification Scheme 2023. Collection method: clinical testing. Allele origin: germline.

GeneDx
Classification: Likely benign. Last evaluated: 2018-09-05. Review status: criteria provided, single submitter. Criteria: GeneDx Variant Classification Process June 2021. Collection method: clinical testing. Allele origin: germline. Affected: yes.
Comment: This variant is associated with the following publications: (PMID: 20233475)